The following is an entry in ClinVar:

NM_015338.6(ASXL1):c.1403G>A (p.Gly468Asp)

Gene: ASXL1 (ASXL transcriptional regulator 1; plus strand). Cytogenetic location: 20q11.21.
Variant type: single nucleotide variant.
Coding change: c.1403G>A on transcript NM_015338.6 (MANE Select); coding-DNA position 1403, G replaced by A.
Protein change: p.Gly468Asp; replaces glycine 468 with aspartic acid.
Molecular consequence: missense variant.
Genome position (GRCh38, 1-based): chr20:32,433,601, G>A. VCF-style: chr20-32433601-G-A. GRCh37 (hg19) VCF-style: chr20-31021404-G-A.
Other names: c.1220G>A, p.Gly407Asp (NM_001363734.1); short protein forms G407D, G468D.
Identifiers: ClinVar variation 3957273 (VCV003957273.1).

ClinVar aggregate classification (germline): Uncertain significance (1 of 4 stars; one submission).

Conditions:
Inborn genetic diseases. Identifiers: MedGen C0950123, MeSH D030342.

gnomAD v4.1: 2 of 1,614,082 alleles (0.00012%); highest among the groups gnomAD compares: Admixed American, 0.0033%; no homozygotes.

Submission:

Ambry Genetics
Classification: Uncertain significance for Inborn genetic diseases. Last evaluated: 2025-05-25. Review status: criteria provided, single submitter. Criteria: Ambry Variant Classification Scheme 2023. Collection method: clinical testing. Allele origin: germline.
Comment: The p.G468D variant (also known as c.1403G>A), located in coding exon 12 of the ASXL1 gene, results from a G to A substitution at nucleotide position 1403. The glycine at codon 468 is replaced by aspartic acid, an amino acid with similar properties. This amino acid position is conserved. In addition, this alteration is predicted to be tolerated by in silico analysis. Based on the available evidence, the clinical significance of this variant remains unclear.